The following is an entry in ClinVar:

ClinVar aggregate classification (germline): Uncertain significance. Review status: criteria provided, multiple submitters, no conflicts (2 of 4 stars). 2 submissions from 2 submitters: Uncertain significance (2). Last evaluated 2025-11-03.

Conditions:
Inborn genetic diseases. Identifiers: MedGen C0950123, MeSH D030342.
Baller-Gerold syndrome (BGS). Also called: CRANIOSYNOSTOSIS WITH RADIAL DEFECTS. Identifiers: Orphanet 1225, MedGen C0265308, MONDO:0009039, OMIM 218600.

Allele frequency attached by ClinVar (database versions not stated): gnomAD exomes below 0.00001 and 0.00005; TOPMed below 0.00001; ExAC 0.00001; gnomAD 0.00001.

Submissions (2):

Labcorp Genetics (formerly Invitae), Labcorp
Classification: Uncertain significance for Baller-Gerold syndrome. Last evaluated: 2025-11-03. Review status: criteria provided, single submitter. Criteria: Invitae Variant Classification Sherloc (09022015). Collection method: clinical testing. Allele origin: germline.
Comment: This sequence change replaces cysteine, which is neutral and slightly polar, with glycine, which is neutral and non-polar, at codon 620 of the RECQL4 protein (p.Cys620Gly). This variant is present in population databases (rs762061985, gnomAD 0.006%). This variant has not been reported in the literature in individuals affected with RECQL4-related conditions. ClinVar contains an entry for this variant (Variation ID: 459347). Invitae Evidence Modeling of protein sequence and biophysical properties (such as structural, functional, and spatial information, amino acid conservation, physicochemical variation, residue mobility, and thermodynamic stability) indicates that this missense variant is expected to disrupt RECQL4 protein function with a positive predictive value of 80%. In summary, the available evidence is currently insufficient to determine the role of this variant in disease. Therefore, it has been classified as a Variant of Uncertain Significance.

Ambry Genetics
Classification: Uncertain significance for Inborn genetic diseases. Last evaluated: 2025-04-11. Review status: criteria provided, single submitter. Criteria: Ambry Variant Classification Scheme 2023. Collection method: clinical testing. Allele origin: germline.
Comment: The p.C620G variant (also known as c.1858T>G), located in coding exon 11 of the RECQL4 gene, results from a T to G substitution at nucleotide position 1858. The cysteine at codon 620 is replaced by glycine, an amino acid with highly dissimilar properties. This amino acid position is conserved. In addition, this alteration is predicted to be deleterious by in silico analysis. Based on the available evidence, the clinical significance of this variant remains unclear.

NM_004260.4(RECQL4):c.1858T>G (p.Cys620Gly)

Gene: RECQL4 (RecQ like helicase 4; minus strand). Cytogenetic location: 8q24.3.
Variant type: single nucleotide variant.
Coding change: c.1858T>G on transcript NM_004260.4 (MANE Select); coding-DNA position 1858, T replaced by G.
Protein change: p.Cys620Gly; replaces cysteine 620 with glycine.
Molecular consequence: missense variant.
Genome position (GRCh38, 1-based): chr8:144,514,209, A>C on the plus strand (T>G on the coding strand, the complement: RECQL4 is on the minus strand). VCF-style: chr8-144514209-A-C. GRCh37 (hg19) VCF-style: chr8-145739593-A-C.
Other names: short protein forms C620G.
Identifiers: ClinVar variation 459347 (VCV000459347.9), dbSNP rs762061985, ClinGen allele CA4948632.